The following is an entry in ClinVar:

NM_005560.6(LAMA5):c.9632C>T (p.Thr3211Met)

Gene: LAMA5 (laminin subunit alpha 5; minus strand). Cytogenetic location: 20q13.33.
Variant type: single nucleotide variant.
Coding change: c.9632C>T on transcript NM_005560.6 (MANE Select); coding-DNA position 9632, C replaced by T.
Protein change: p.Thr3211Met; replaces threonine 3211 with methionine.
Molecular consequence: missense variant.
Genome position (GRCh38, 1-based): chr20:62,311,923, G>A on the plus strand (C>T on the coding strand, the complement: LAMA5 is on the minus strand). VCF-style: chr20-62311923-G-A. GRCh37 (hg19) VCF-style: chr20-60886979-G-A.
Other names: c.9632C>T (NM_005560.4, NM_005560.3); short protein forms T3211M.
Identifiers: ClinVar variation 1913489 (VCV001913489.8), dbSNP rs763726733, ClinGen allele CA9940140.

ClinVar aggregate classification (germline): Uncertain significance. Review status: criteria provided, multiple submitters, no conflicts (2 of 4 stars). 3 submissions from 3 submitters: Uncertain significance (2). 1 of the submissions does not count toward it. Last evaluated 2024-07-09.

Conditions:
Inborn genetic diseases. Identifiers: MedGen C0950123, MeSH D030342.
LAMA5-related disorder. Also called: LAMA5-related condition; LAMA5-Related Disorders.

Allele frequency attached by ClinVar (database versions not stated): gnomAD 0.00005.

Submissions (3):

Ambry Genetics
Classification: Uncertain significance for Inborn genetic diseases. Last evaluated: 2024-07-09. Review status: criteria provided, single submitter. Criteria: Ambry Variant Classification Scheme 2023. Collection method: clinical testing. Allele origin: germline.

Labcorp Genetics (formerly Invitae), Labcorp
Classification: Uncertain significance. Last evaluated: 2022-01-16. Review status: criteria provided, single submitter. Criteria: Invitae Variant Classification Sherloc (09022015). Collection method: clinical testing. Allele origin: germline.
Comment: In summary, the available evidence is currently insufficient to determine the role of this variant in disease. Therefore, it has been classified as a Variant of Uncertain Significance. Algorithms developed to predict the effect of missense changes on protein structure and function (SIFT, PolyPhen-2, Align-GVGD) all suggest that this variant is likely to be tolerated. This variant has not been reported in the literature in individuals affected with LAMA5-related conditions. This variant is present in population databases (rs763726733, gnomAD 0.009%). This sequence change replaces threonine, which is neutral and polar, with methionine, which is neutral and non-polar, at codon 3211 of the LAMA5 protein (p.Thr3211Met).

PreventionGenetics, part of Exact Sciences
Classification: Uncertain significance for LAMA5-related condition. Last evaluated: 2024-02-29. Review status: no assertion criteria provided. Collection method: clinical testing. Allele origin: germline. Not counted in ClinVar's aggregate classification.
Comment: The LAMA5 c.9632C>T variant is predicted to result in the amino acid substitution p.Thr3211Met. To our knowledge, this variant has not been reported in the literature. This variant is reported in 0.0095% of alleles in individuals of European (Non-Finnish) descent in gnomAD. At this time, the clinical significance of this variant is uncertain due to the absence of conclusive functional and genetic evidence.